The following is an entry in ClinVar:

NM_001042492.3(NF1):c.8391dup (p.Asn2798fs)

Gene: NF1 (neurofibromin 1; plus strand). Cytogenetic location: 17q11.2.
Variant type: Duplication.
Coding change: c.8391dup on transcript NM_001042492.3 (MANE Select); coding-DNA position 8391, one base duplicated (G; older notation c.8391dupG).
Protein change: p.Asn2798fs; shifts the reading frame from asparagine 2798.
Molecular consequence: frameshift variant.
Genome position (GRCh38, 1-based): chr17:31,374,026, G duplicated. VCF-style (leftmost placement, unchanged base first): chr17-31374025-A-AG. GRCh37 (hg19) VCF-style: chr17-29701043-A-AG.
Other names: c.8328dupG (NM_000267.3); c.8328dup, p.Asn2777Glufs (NM_000267.4); short protein forms N2777fs, N2798fs.
Identifiers: ClinVar variation 481932 (VCV000481932.6), dbSNP rs1555538513, ClinGen allele CA658658611.

ClinVar aggregate classification (germline): Uncertain significance (1 of 4 stars; one submission).

Conditions:
Cardiovascular phenotype. Identifiers: MedGen CN230736.
Hereditary cancer-predisposing syndrome. Also called: Neoplastic Syndromes, Hereditary; Tumor predisposition; Hereditary Cancer Syndrome; Hereditary neoplastic syndrome. Identifiers: Orphanet 140162, MedGen C0027672, MeSH D009386, MONDO:0015356.

Submission:

Ambry Genetics
Classification: Uncertain significance for Cardiovascular phenotype; Hereditary cancer-predisposing syndrome. Last evaluated: 2025-11-18. Review status: criteria provided, single submitter. Criteria: Ambry Variant Classification Scheme 2023. Collection method: clinical testing. Allele origin: germline.
Comment: The c.8328dupG variant, located in coding exon 57 of the NF1 gene, results from a duplication of G at nucleotide position 8328, causing a translational frameshift with a predicted alternate stop codon (p.N2777Efs*3). This alteration occurs at the 3' terminus of the gene, is not expected to trigger nonsense-mediated mRNAdecay, and impacts the last 1.5% of the protein. The exact functional effect of this alteration is unknown. Based on the available evidence, the clinical significance of this variant remains unclear.